The following is an entry in ClinVar:

NM_004415.4(DSP):c.5151C>T (p.His1717=)

Gene: DSP (desmoplakin; plus strand). Cytogenetic location: 6p24.3.
Variant type: single nucleotide variant.
Coding change: c.5151C>T on transcript NM_004415.4 (MANE Select); coding-DNA position 5151, C replaced by T.
Protein change: p.His1717=; no amino-acid change (histidine 1717 retained).
Molecular consequence: synonymous variant. On other transcripts: intron variant (2).
Genome position (GRCh38, 1-based): chr6:7,581,341, C>T. VCF-style: chr6-7581341-C-T. GRCh37 (hg19) VCF-style: chr6-7581574-C-T.
Other names: c.4050+1101C>T (NM_001319034.2); c.3583-1301C>T (NM_001008844.3).
Identifiers: ClinVar variation 928167 (VCV000928167.5), dbSNP rs762841263, ClinGen allele CA043999.

ClinVar aggregate classification (germline): Likely benign. Review status: criteria provided, multiple submitters, no conflicts (2 of 4 stars). 3 submissions from 3 submitters: Likely benign (3). Last evaluated 2023-04-28.

Conditions:
Cardiovascular phenotype. Identifiers: MedGen CN230736.
Cardiomyopathy (CMYO). Also called: Cardiomyopathies. Identifiers: Orphanet 167848, MedGen C0878544, MONDO:0004994, HP:0001638. Inheritance: Various modes of inheritance.
Arrhythmogenic cardiomyopathy with wooly hair and keratoderma. Also called: PALMOPLANTAR KERATODERMA WITH LEFT VENTRICULAR CARDIOMYOPATHY AND WOOLLY HAIR; Carvajal syndrome; Dilated cardiomyopathy with woolly hair and keratoderma; Arrhythmogenic cardiomyopathy with woolly hair and keratoderma. Identifiers: Orphanet 65282, MedGen C1854063, MONDO:0011581, OMIM 605676.

Allele frequency attached by ClinVar (database versions not stated): gnomAD exomes below 0.00001 and 0.00002; ExAC 0.00001; gnomAD 0.00001.
gnomAD v4.1: 4 of 1,614,066 alleles (0.00025%); highest among the groups gnomAD compares: South Asian, 0.0022%; no homozygotes.

Submissions (3):

All of Us Research Program, National Institutes of Health
Classification: Likely benign for Arrhythmogenic cardiomyopathy with wooly hair and keratoderma. Last evaluated: 2023-04-28. Review status: criteria provided, single submitter. Criteria: ACMG Guidelines, 2015. Collection method: clinical testing. Allele origin: germline. Inheritance: Autosomal dominant inheritance. Observed: 1 variant allele, 1 heterozygote.
Comment: This study involves interpretation of variants in research participants for the purpose of population health screening. Participant phenotype was not available at the time of variant classification. Additional details can be found in publication PMID: 35346344, PMCID: PMC8962531

Ambry Genetics
Classification: Likely benign for Cardiovascular phenotype. Last evaluated: 2020-08-31. Review status: criteria provided, single submitter. Criteria: Ambry Variant Classification Scheme 2023. Collection method: clinical testing. Allele origin: germline.

Color Diagnostics, LLC DBA Color Health
Classification: Likely benign for Cardiomyopathy. Last evaluated: 2018-12-05. Review status: criteria provided, single submitter. Criteria: ACMG Guidelines, 2015. Collection method: clinical testing. Allele origin: germline.